The following is an entry in ClinVar:

ClinVar aggregate classification (germline): Uncertain significance (1 of 4 stars; one submission).

Conditions:
Diamond-Blackfan anemia 8 (DBA8). Also called: RPS7-Related Diamond-Blackfan Anemia. Identifiers: Orphanet 124, MedGen C2675511, MONDO:0012939, OMIM 612563.

gnomAD v4.1: 2 of 1,614,068 alleles (0.00012%); highest among the groups gnomAD compares: Non-Finnish European, 0.00017%; no homozygotes.

Submission:

Labcorp Genetics (formerly Invitae), Labcorp
Classification: Uncertain significance for Diamond-Blackfan anemia 8. Last evaluated: 2025-10-22. Review status: criteria provided, single submitter. Criteria: Invitae Variant Classification Sherloc (09022015). Collection method: clinical testing. Allele origin: germline.
Comment: This sequence change replaces isoleucine, which is neutral and non-polar, with valine, which is neutral and non-polar, at codon 62 of the RPS7 protein (p.Ile62Val). This variant is not present in population databases (gnomAD no frequency). This variant has not been reported in the literature in individuals affected with RPS7-related conditions. An algorithm developed to predict the effect of missense changes on protein structure and function (PolyPhen-2) suggests that this variant is likely to be tolerated. In summary, the available evidence is currently insufficient to determine the role of this variant in disease. Therefore, it has been classified as a Variant of Uncertain Significance.

NM_001011.4(RPS7):c.184A>G (p.Ile62Val)

Gene: RPS7 (ribosomal protein S7; plus strand). Cytogenetic location: 2p25.3.
Variant type: single nucleotide variant.
Coding change: c.184A>G on transcript NM_001011.4 (MANE Select); coding-DNA position 184, A replaced by G.
Protein change: p.Ile62Val; replaces isoleucine 62 with valine.
Molecular consequence: missense variant.
Genome position (GRCh38, 1-based): chr2:3,576,523, A>G. VCF-style: chr2-3576523-A-G. GRCh37 (hg19) VCF-style: chr2-3624113-A-G.
Other names: short protein forms I62V.
Identifiers: ClinVar variation 4803317 (VCV004803317.1).
Genomic context (GRCh38, chr2:3,576,523, plus strand): 5'-GTGGATTTTTGTTTTTTTCTTTAGGAAATTGAAGTTGGTGGTGGTCGGAAAGCTATCATA[A>G]TCTTTGTTCCCGTTCCTCAACTGAAATCTTTCCAGAAAATCCAAGTCCGGCTAGTACGCG-3'
Protein context (NP_001002.1, residues 52-72): EVGGGRKAII[Ile62Val]FVPVPQLKSF